The following is an entry in ClinVar:

ClinVar aggregate classification (germline): Likely benign (1 of 4 stars; one submission).

Allele frequency attached by ClinVar (database versions not stated): ExAC 0.00003; gnomAD 0.00003; TOPMed 0.00003; ESP Exome Variant Server 0.00015.
gnomAD v4.1: 25 of 1,613,954 alleles (0.0015%); highest among the groups gnomAD compares: East Asian, 0.0089%; no homozygotes.

Submission:

CeGaT Center for Human Genetics Tuebingen
Classification: Likely benign. Last evaluated: 2022-05-01. Review status: criteria provided, single submitter. Criteria: CeGaT Center For Human Genetics Tuebingen Variant Classification Criteria Version 2. Collection method: clinical testing. Allele origin: germline. Affected: yes. Observed: 1 variant allele.
Comment: TRPM2: BP4, BP7

NM_003307.4(TRPM2):c.1014C>T (p.His338=)

Gene: TRPM2 (transient receptor potential cation channel subfamily M member 2; plus strand). Cytogenetic location: 21q22.3.
Variant type: single nucleotide variant.
Coding change: c.1014C>T on transcript NM_003307.4 (MANE Select); coding-DNA position 1014, C replaced by T.
Protein change: p.His338=; no amino-acid change (histidine 338 retained).
Molecular consequence: synonymous variant. On other transcripts: non-coding transcript variant (1).
Genome position (GRCh38, 1-based): chr21:44,377,773, C>T. VCF-style: chr21-44377773-C-T. GRCh37 (hg19) VCF-style: chr21-45797656-C-T.
Other names: c.1014C>T, p.His338= (NM_001320350.2, NM_001320351.2).
Identifiers: ClinVar variation 2652745 (VCV002652745.24), dbSNP rs199716529, ClinGen allele CA10054345.